The following is an entry in ClinVar:

ClinVar aggregate classification (germline): Likely benign. Review status: criteria provided, multiple submitters, no conflicts (2 of 4 stars). 2 submissions from 2 submitters: Likely benign (2). Last evaluated 2024-03-01.

Conditions:
Developmental and epileptic encephalopathy 94 (DEE94). Also called: Epileptic encephalopathy, childhood-onset; CHD2-Related Neurodevelopmental Disorders. Identifiers: Orphanet 1942, Orphanet 2382, MedGen C3809278, MONDO:0014150, OMIM 615369.

Allele frequency attached by ClinVar (database versions not stated): gnomAD exomes below 0.00001; TOPMed below 0.00001.
gnomAD v4.1: 1 of 1,613,962 alleles (0.000062%); highest among the groups gnomAD compares: African/African-American, 0.0013%; no homozygotes.

Submissions (2):

CeGaT Center for Human Genetics Tuebingen
Classification: Likely benign. Last evaluated: 2024-03-01. Review status: criteria provided, single submitter. Criteria: CeGaT Center For Human Genetics Tuebingen Variant Classification Criteria Version 2. Collection method: clinical testing. Allele origin: germline. Affected: yes. Observed: 1 variant allele.
Comment: CHD2: PM2:Supporting, BP4, BP7

Labcorp Genetics (formerly Invitae), Labcorp
Classification: Likely benign for Developmental and epileptic encephalopathy 94. Last evaluated: 2023-09-22. Review status: criteria provided, single submitter. Criteria: Invitae Variant Classification Sherloc (09022015). Collection method: clinical testing. Allele origin: germline.

NM_001271.4(CHD2):c.2280A>G (p.Lys760=)

Gene: CHD2 (chromodomain helicase DNA binding protein 2; plus strand). Cytogenetic location: 15q26.1.
Variant type: single nucleotide variant.
Coding change: c.2280A>G on transcript NM_001271.4 (MANE Select); coding-DNA position 2280, A replaced by G.
Protein change: p.Lys760=; no amino-acid change (lysine 760 retained).
Molecular consequence: synonymous variant.
Genome position (GRCh38, 1-based): chr15:92,971,855, A>G. VCF-style: chr15-92971855-A-G. GRCh37 (hg19) VCF-style: chr15-93515085-A-G.
Identifiers: ClinVar variation 2036745 (VCV002036745.25), dbSNP rs2053846145, ClinGen allele CA492499441.